The following is an entry in ClinVar:

NM_153704.6(TMEM67):c.769A>G (p.Met257Val)

Gene: TMEM67 (transmembrane protein 67; plus strand). Cytogenetic location: 8q22.1.
Variant type: single nucleotide variant.
Coding change: c.769A>G on transcript NM_153704.6 (MANE Select); coding-DNA position 769, A replaced by G.
Protein change: p.Met257Val; replaces methionine 257 with valine.
Molecular consequence: missense variant. On other transcripts: non-coding transcript variant (1).
Genome position (GRCh38, 1-based): chr8:93,780,647, A>G. VCF-style: chr8-93780647-A-G. GRCh37 (hg19) VCF-style: chr8-94792875-A-G.
Other names: c.526A>G, p.Met176Val (NM_001142301.1); short protein forms M176V, M257V.
Identifiers: ClinVar variation 217710 (VCV000217710.5), dbSNP rs863225227, ClinGen allele CA279411.

ClinVar aggregate classification (germline): Conflicting classifications of pathogenicity. Review status: criteria provided, conflicting classifications (1 of 4 stars). 4 submissions from 4 submitters: Pathogenic (1); Likely pathogenic (2); Uncertain significance (1). Last evaluated 2022-04-07.

Conditions:
Meckel syndrome, type 3 (MKS3). Also called: MECKEL-GRUBER SYNDROME, TYPE 3. Identifiers: Orphanet 564, MedGen C1846357, MONDO:0011821, OMIM 607361.
COACH syndrome 1. Identifiers: Orphanet 1454, MedGen C5435651, MONDO:0800103, OMIM 216360, MONDO:0008996.
Nephronophthisis 11 (NPHP11). Identifiers: Orphanet 84081, MedGen C3150796, MONDO:0013302, OMIM 613550.
Joubert syndrome 6 (JBTS6). Identifiers: Orphanet 475, MedGen C1853153, MONDO:0012539, OMIM 610688.
Bardet-Biedl syndrome 14 (BBS14). Identifiers: Orphanet 110, MedGen C2673874, MONDO:0014442, OMIM 615991.
RHYNS syndrome. Also called: RETINITIS PIGMENTOSA SYNDROME; RETINITIS PIGMENTOSA, HYPOPITUITARISM, NEPHRONOPHTHISIS, AND MILD SKELETAL DYSPLASIA. Identifiers: Orphanet 140976, MedGen C1865794, MONDO:0011202, OMIM 602152.
Meckel-Gruber syndrome. Also called: DYSENCEPHALIA SPLANCHNOCYSTICA; Dysencephalia splachnocystica; GRUBER SYNDROME. Identifiers: Orphanet 564, MedGen C0265215, MONDO:0018921.
Joubert syndrome. Also called: Familial aplasia of the vermis; JOUBERT-BOLTSHAUSER SYNDROME. Identifiers: Orphanet 475, MedGen C5979921, MONDO:0018772.

Allele frequency attached by ClinVar (database versions not stated): gnomAD exomes below 0.00001; TOPMed below 0.00001; gnomAD 0.00001.

Submissions (4):

Labcorp Genetics (formerly Invitae), Labcorp
Classification: Likely pathogenic for Joubert syndrome; Meckel-Gruber syndrome. Last evaluated: 2022-04-07. Review status: criteria provided, single submitter. Criteria: Invitae Variant Classification Sherloc (09022015). Collection method: clinical testing. Allele origin: germline.
Comment: This sequence change replaces methionine, which is neutral and non-polar, with valine, which is neutral and non-polar, at codon 257 of the TMEM67 protein (p.Met257Val). This variant is not present in population databases (gnomAD no frequency). This missense change has been observed in individual(s) with Joubert syndrome (PMID: 19574260). ClinVar contains an entry for this variant (Variation ID: 217710). Advanced modeling of protein sequence and biophysical properties (such as structural, functional, and spatial information, amino acid conservation, physicochemical variation, residue mobility, and thermodynamic stability) performed at Invitae indicates that this missense variant is expected to disrupt TMEM67 protein function. In summary, the currently available evidence indicates that the variant is pathogenic, but additional data are needed to prove that conclusively. Therefore, this variant has been classified as Likely Pathogenic.

Fulgent Genetics
Classification: Likely pathogenic for COACH syndrome 1; RHYNS syndrome; Meckel syndrome, type 3; Joubert syndrome 6; Nephronophthisis 11; Bardet-Biedl syndrome 14. Last evaluated: 2021-12-15. Review status: criteria provided, single submitter. Criteria: ACMG Guidelines, 2015. Collection method: clinical testing. Allele origin: unknown.

Blueprint Genetics
Classification: Uncertain significance. Last evaluated: 2021-06-23. Review status: criteria provided, single submitter. Criteria: ACMG Guidelines, 2015. Collection method: clinical testing. Allele origin: germline.

UW Hindbrain Malformation Research Program, University of Washington
Classification: Pathogenic for Joubert syndrome 6. Last evaluated: 2015-02-23. Review status: criteria provided, single submitter. Criteria: Bachmann-Gagescu et al. (J Med Genet. 2015). Collection method: research. Allele origin: unknown. Affected: yes.

Literature cited by the submitters: PubMed 19574260 (cited by Labcorp Genetics (formerly Invitae), Labcorp).